The following is an entry in ClinVar:

ClinVar aggregate classification (germline): Uncertain significance (1 of 4 stars; one submission).

Allele frequency attached by ClinVar (database versions not stated): gnomAD 0.00001; gnomAD exomes 0.00001 and 0.00003; TOPMed 0.00001; ExAC 0.00002.

Submission:

GeneDx
Classification: Uncertain significance. Last evaluated: 2019-11-12. Review status: criteria provided, single submitter. Criteria: GeneDx Variant Classification Process June 2021. Collection method: clinical testing. Allele origin: germline. Affected: yes.
Comment: In silico analysis, which includes protein predictors and evolutionary conservation, supports a deleterious effect; Has not been previously published as pathogenic or benign to our knowledge

NM_003922.4(HERC1):c.335G>A (p.Arg112His)

Gene: HERC1 (HECT and RLD domain containing E3 ubiquitin protein ligase family member 1; minus strand). Cytogenetic location: 15q22.31.
Variant type: single nucleotide variant.
Coding change: c.335G>A on transcript NM_003922.4 (MANE Select); coding-DNA position 335, G replaced by A.
Protein change: p.Arg112His; replaces arginine 112 with histidine.
Molecular consequence: missense variant.
Genome position (GRCh38, 1-based): chr15:63,775,289, C>T on the plus strand (G>A on the coding strand, the complement: HERC1 is on the minus strand). VCF-style: chr15-63775289-C-T. GRCh37 (hg19) VCF-style: chr15-64067488-C-T.
Other names: short protein forms R112H.
Identifiers: ClinVar variation 1320725 (VCV001320725.2), dbSNP rs754763662, ClinGen allele CA7606671.
Genomic context (GRCh38, chr15:63,775,289, plus strand): 5'-TGCTGCTGCTGCTTCACCTTGCCTTTGTCATGGTATTTATTAGAAAGTGCATAAAAGACA[C>T]GCTGGAGTACAAGCAGTCGTTTTCTAAGTGCCCCGGCAAATGGGGAATCTGAACATACCA-3'
Protein context (NP_003913.3, residues 102-122): ALRKRLLVLQ[Arg112His]VFYALSNKYH